The following is an entry in ClinVar:

NM_000263.4(NAGLU):c.1864C>G (p.Leu622Val)

Gene: NAGLU (N-acetyl-alpha-glucosaminidase; plus strand). Cytogenetic location: 17q21.2.
Variant type: single nucleotide variant.
Coding change: c.1864C>G on transcript NM_000263.4 (MANE Select); coding-DNA position 1864, C replaced by G.
Protein change: p.Leu622Val; replaces leucine 622 with valine.
Molecular consequence: missense variant.
Genome position (GRCh38, 1-based): chr17:42,543,870, C>G. VCF-style: chr17-42543870-C-G. GRCh37 (hg19) VCF-style: chr17-40695888-C-G.
Other names: short protein forms L622V.
Identifiers: ClinVar variation 2098749 (VCV002098749.4), dbSNP rs2510660483, ClinGen allele CA399605227.

ClinVar aggregate classification (germline): Uncertain significance (1 of 4 stars; one submission).

Conditions:
Charcot-Marie-Tooth disease axonal type 2V. Also called: CHARCOT-MARIE-TOOTH NEUROPATHY, TYPE 2V; CHARCOT-MARIE-TOOTH DISEASE, AXONAL, AUTOSOMAL DOMINANT, TYPE 2V. Identifiers: Orphanet 447964, MedGen C5569050, MONDO:0014665, OMIM 616491.
Mucopolysaccharidosis, MPS-III-B (MPS3B). Also called: N-ACETYL-ALPHA-D-GLUCOSAMINIDASE DEFICIENCY; NAGLU DEFICIENCY; SANFILIPPO SYNDROME B; MPS III B; MUCOPOLYSACCHARIDOSIS, TYPE IIIB; MPS IIIB (Sanfilippo Syndrome Type B). Identifiers: Orphanet 79270, MedGen C0086648, MONDO:0009656, OMIM 252920.

Allele frequency attached by ClinVar (database versions not stated): gnomAD exomes below 0.00001.

Submission:

Labcorp Genetics (formerly Invitae), Labcorp
Classification: Uncertain significance for Charcot-Marie-Tooth disease axonal type 2V; Mucopolysaccharidosis, MPS-III-B. Last evaluated: 2022-02-18. Review status: criteria provided, single submitter. Criteria: Invitae Variant Classification Sherloc (09022015). Collection method: clinical testing. Allele origin: germline.
Comment: In summary, the available evidence is currently insufficient to determine the role of this variant in disease. Therefore, it has been classified as a Variant of Uncertain Significance. Advanced modeling of protein sequence and biophysical properties (such as structural, functional, and spatial information, amino acid conservation, physicochemical variation, residue mobility, and thermodynamic stability) performed at Invitae indicates that this missense variant is expected to disrupt NAGLU protein function. This variant has not been reported in the literature in individuals affected with NAGLU-related conditions. This variant is not present in population databases (gnomAD no frequency). This sequence change replaces leucine, which is neutral and non-polar, with valine, which is neutral and non-polar, at codon 622 of the NAGLU protein (p.Leu622Val).